The following is an entry in ClinVar:

NM_001793.6(CDH3):c.1649C>T (p.Pro550Leu)

Gene: CDH3 (cadherin 3; plus strand). Cytogenetic location: 16q22.1.
Variant type: single nucleotide variant.
Coding change: c.1649C>T on transcript NM_001793.6 (MANE Select); coding-DNA position 1649, C replaced by T.
Protein change: p.Pro550Leu; replaces proline 550 with leucine.
Molecular consequence: missense variant.
Genome position (GRCh38, 1-based): chr16:68,687,590, C>T. VCF-style: chr16-68687590-C-T. GRCh37 (hg19) VCF-style: chr16-68721493-C-T.
Other names: c.1649C>T, p.Pro550Leu (NM_001317195.3); c.1484C>T, p.Pro495Leu (NM_001317196.2); c.1649C>T (NM_001793.4); short protein forms P550L, P495L.
Identifiers: ClinVar variation 939197 (VCV000939197.10), dbSNP rs142150325, ClinGen allele CA8129433.

ClinVar aggregate classification (germline): Uncertain significance. Review status: criteria provided, multiple submitters, no conflicts (2 of 4 stars). 2 submissions from 2 submitters: Uncertain significance (2). Last evaluated 2025-02-03.

Conditions:
Inborn genetic diseases. Identifiers: MedGen C0950123, MeSH D030342.

Allele frequency attached by ClinVar (database versions not stated): gnomAD 0.00001; ExAC 0.00002; gnomAD exomes 0.00002 and 0.00004; TOPMed 0.00002; ESP Exome Variant Server 0.00008.
gnomAD v4.1: 64 of 1,614,030 alleles (0.004%); highest among the groups gnomAD compares: Non-Finnish European, 0.0047%; no homozygotes.

Submissions (2):

Labcorp Genetics (formerly Invitae), Labcorp
Classification: Uncertain significance. Last evaluated: 2025-02-03. Review status: criteria provided, single submitter. Criteria: Invitae Variant Classification Sherloc (09022015). Collection method: clinical testing. Allele origin: germline.
Comment: This sequence change replaces proline, which is neutral and non-polar, with leucine, which is neutral and non-polar, at codon 550 of the CDH3 protein (p.Pro550Leu). This variant is present in population databases (rs142150325, gnomAD 0.005%). This variant has not been reported in the literature in individuals affected with CDH3-related conditions. ClinVar contains an entry for this variant (Variation ID: 939197). Invitae Evidence Modeling of protein sequence and biophysical properties (such as structural, functional, and spatial information, amino acid conservation, physicochemical variation, residue mobility, and thermodynamic stability) indicates that this missense variant is not expected to disrupt CDH3 protein function with a negative predictive value of 80%. In summary, the available evidence is currently insufficient to determine the role of this variant in disease. Therefore, it has been classified as a Variant of Uncertain Significance.

Ambry Genetics
Classification: Uncertain significance for Inborn genetic diseases. Last evaluated: 2025-01-24. Review status: criteria provided, single submitter. Criteria: Ambry Variant Classification Scheme 2023. Collection method: clinical testing. Allele origin: germline.